The following is an entry in ClinVar:

NM_001267550.2(TTN):c.50758C>G (p.Pro16920Ala)

Genes: TTN (titin; minus strand), TTN-AS1 (TTN antisense RNA 1; plus strand). Cytogenetic location: 2q31.2.
Variant type: single nucleotide variant.
Coding change: c.50758C>G on transcript NM_001267550.2 (MANE Select); coding-DNA position 50758, C replaced by G.
Protein change: p.Pro16920Ala; replaces proline 16920 with alanine.
Molecular consequence: missense variant.
Genome position (GRCh38, 1-based): chr2:178,611,471, G>C on the plus strand (C>G on the coding strand, the complement: TTN is on the minus strand). VCF-style: chr2-178611471-G-C. GRCh37 (hg19) VCF-style: chr2-179476198-G-C.
Other names: c.45835C>G, p.Pro15279Ala (NM_001256850.1); c.23563C>G, p.Pro7855Ala (NM_003319.4); c.43054C>G, p.Pro14352Ala (NM_133378.4); c.23938C>G, p.Pro7980Ala (NM_133432.3); c.24139C>G, p.Pro8047Ala (NM_133437.4); short protein forms P14352A, P16920A, P7855A, P15279A, P8047A, P7980A.
Identifiers: ClinVar variation 229449 (VCV000229449.31), dbSNP rs377289817, ClinGen allele CA1994319.

ClinVar aggregate classification (germline): Conflicting classifications of pathogenicity. Review status: criteria provided, conflicting classifications (1 of 4 stars). 10 submissions from 10 submitters: Uncertain significance (3); Likely benign (7). Last evaluated 2026-01-28.

Conditions:
TTN-related disorder. Also called: TTN-related disorders; TTN-related condition; TTN-related disease.
Cardiovascular phenotype. Identifiers: MedGen CN230736.
Dilated cardiomyopathy 1G (CMD1G). Identifiers: Orphanet 154, MedGen C1858763, MONDO:0011400, OMIM 604145.
Autosomal recessive limb-girdle muscular dystrophy type 2J (LGMDR10). Also called: Limb-girdle muscular dystrophy, type 2J; MUSCULAR DYSTROPHY, LIMB-GIRDLE, AUTOSOMAL RECESSIVE 10. Identifiers: Orphanet 140922, MedGen C1837342, MONDO:0012127, OMIM 608807.
Primary dilated cardiomyopathy (DCM). Also called: Dilated Cardiomyopathy. Identifiers: Orphanet 217604, MedGen C0007193, MeSH D002311, MONDO:0005021, HP:0001644. Inheritance: Various modes of inheritance.

Allele frequency attached by ClinVar (database versions not stated): gnomAD exomes 0.00005 and 0.00019; ExAC 0.00025; ESP Exome Variant Server 0.00040; 1000 Genomes Project 30x 0.00047; TOPMed 0.00053; gnomAD 0.00058 and 0.00064; 1000 Genomes Project 0.00060.
gnomAD v4.1: 162 of 1,612,930 alleles (0.01%); highest among the groups gnomAD compares: African/African-American, 0.18%; 1 homozygote.

Submissions (10):

Labcorp Genetics (formerly Invitae), Labcorp
Classification: Likely benign for Dilated cardiomyopathy 1G; Autosomal recessive limb-girdle muscular dystrophy type 2J. Last evaluated: 2026-01-28. Review status: criteria provided, single submitter. Criteria: Invitae Variant Classification Sherloc (09022015). Collection method: clinical testing. Allele origin: germline.

PreventionGenetics, part of Exact Sciences
Classification: Likely benign for TTN-related condition. Last evaluated: 2025-02-26. Review status: criteria provided, single submitter. Criteria: ACMG Guidelines, 2015. Collection method: clinical testing. Allele origin: germline.
Comment: This variant is classified as likely benign based on ACMG/AMP sequence variant interpretation guidelines (Richards et al. 2015 PMID: 25741868, with internal and published modifications).

Women's Health and Genetics/Laboratory Corporation of America, LabCorp
Classification: Likely benign. Last evaluated: 2023-12-04. Review status: criteria provided, single submitter. Criteria: LabCorp Variant Classification Summary - May 2015. Collection method: clinical testing. Allele origin: germline.
Comment: Variant summary: TTN c.43054C>G (p.Pro14352Ala) results in a non-conservative amino acid change located in the A band region of the encoded protein sequence. Four of four in-silico tools predict a damaging effect of the variant on protein function. The variant allele was found at a frequency of 0.00019 in 247258 control chromosomes, predominantly at a frequency of 0.0024 within the African or African-American subpopulation in the gnomAD database. The observed variant frequency within African or African-American control individuals in the gnomAD database is approximately 6 fold of the estimated maximal expected allele frequency for a pathogenic variant in TTN causing Dilated Cardiomyopathy phenotype (0.00039), strongly suggesting that the variant is a benign polymorphism found primarily in populations of African or African-American origin. Seven submitters have cited clinical-significance assessments for this variant to ClinVar after 2014 and classifed the variant as likely benign (n=4) or VUS (n=3). Based on the evidence outlined above, the variant was classified as likely benign.

ARUP Laboratories, Molecular Genetics and Genomics, ARUP Laboratories
Classification: Likely benign. Last evaluated: 2023-01-03. Review status: criteria provided, single submitter. Criteria: ARUP Molecular Germline Variant Investigation Process 2024. Collection method: clinical testing. Allele origin: germline.

GeneDx
Classification: Likely benign. Last evaluated: 2021-03-18. Review status: criteria provided, single submitter. Criteria: GeneDx Variant Classification Process June 2021. Collection method: clinical testing. Allele origin: germline. Affected: yes.

Revvity Omics, Revvity
Classification: Uncertain significance. Last evaluated: 2019-12-04. Review status: criteria provided, single submitter. Criteria: ACMG Guidelines, 2015. Collection method: clinical testing. Allele origin: germline.

Ambry Genetics
Classification: Likely benign for Cardiovascular phenotype. Last evaluated: 2019-09-10. Review status: criteria provided, single submitter. Criteria: Ambry Variant Classification Scheme 2023. Collection method: clinical testing. Allele origin: germline.

Eurofins Ntd Llc (ga)
Classification: Uncertain significance. Last evaluated: 2018-08-28. Review status: criteria provided, single submitter. Criteria: EGL ClinVar v180209 classification definitions. Collection method: clinical testing. Allele origin: germline. Observed: 5 variant alleles, 5 heterozygotes.

Center for Advanced Laboratory Medicine, UC San Diego Health, University of California San Diego
Classification: Likely benign for Dilated cardiomyopathy. Last evaluated: 2018-02-07. Review status: criteria provided, single submitter. Criteria: ACMG Guidelines, 2015. Collection method: clinical testing. Allele origin: germline. Affected: yes. Observed: 2 variant alleles.

Laboratory for Molecular Medicine, Mass General Brigham Personalized Medicine
Classification: Uncertain significance. Last evaluated: 2015-05-14. Review status: criteria provided, single submitter. Criteria: LMM Criteria. Collection method: clinical testing. Allele origin: germline. Observed: 1 variant allele.
Comment: Variant classified as Uncertain Significance - Favor Benign. The p.Pro14352Ala v ariant in TTN has not been previously reported in individuals with cardiomyopath y, but has been identified in 0.2% (22/9750) of African chromosomes by the Exome Aggregation Consortium (ExAC; dbSNP rs377289817 ). Computational prediction tools and conservation analysis do not provide stro ng support for or against an impact to the protein. In summary, while the clinic al significance of the p.Pro14352Ala variant is uncertain, its frequency suggest s that it is more likely to be benign.